The following is an entry in ClinVar:

NM_001267550.2(TTN):c.28251G>C (p.Glu9417Asp)

Gene: TTN (titin; minus strand). Cytogenetic location: 2q31.2.
Variant type: single nucleotide variant.
Coding change: c.28251G>C on transcript NM_001267550.2 (MANE Select); coding-DNA position 28251, G replaced by C.
Protein change: p.Glu9417Asp; replaces glutamic acid 9417 with aspartic acid.
Molecular consequence: missense variant. On other transcripts: intron variant (3).
Genome position (GRCh38, 1-based): chr2:178,710,846, C>G on the plus strand (G>C on the coding strand, the complement: TTN is on the minus strand). VCF-style: chr2-178710846-C-G. GRCh37 (hg19) VCF-style: chr2-179575573-C-G.
Other names: p.E9100D:GAG>GAC; c.27300G>C, p.Glu9100Asp (NM_001256850.1); c.24519G>C, p.Glu8173Asp (NM_133378.4); c.13282+27236G>C (NM_003319.4); c.13858+27236G>C (NM_133437.4); c.13657+27236G>C (NM_133432.3); short protein forms E9100D, E9417D, E8173D.
Identifiers: ClinVar variation 203356 (VCV000203356.6), dbSNP rs773169301, ClinGen allele CA312136.

ClinVar aggregate classification (germline): Uncertain significance. Review status: criteria provided, multiple submitters, no conflicts (2 of 4 stars). 2 submissions from 2 submitters: Uncertain significance (2). Last evaluated 2024-06-21.

Allele frequency attached by ClinVar (database versions not stated): ExAC 0.00001; gnomAD exomes 0.00001; gnomAD 0.00001; TOPMed 0.00001.
gnomAD v4.1: 5 of 1,613,748 alleles (0.00031%); highest among the groups gnomAD compares: East Asian, 0.011%; no homozygotes.

Submissions (2):

Revvity Omics, Revvity
Classification: Uncertain significance. Last evaluated: 2024-06-21. Review status: criteria provided, single submitter. Criteria: ACMG Guidelines, 2015. Collection method: clinical testing. Allele origin: germline.

GeneDx
Classification: Uncertain significance. Last evaluated: 2020-10-08. Review status: criteria provided, single submitter. Criteria: GeneDx Variant Classification Process June 2021. Collection method: clinical testing. Allele origin: germline. Affected: yes.
Comment: Not observed at a significant frequency in large population cohorts (Lek et al., 2016); Has not been previously published as pathogenic or benign to our knowledge